The following is an entry in ClinVar:

NM_000443.4(ABCB4):c.1067C>T (p.Ala356Val)

Gene: ABCB4 (ATP binding cassette subfamily B member 4; minus strand). Cytogenetic location: 7q21.12.
Variant type: single nucleotide variant.
Coding change: c.1067C>T on transcript NM_000443.4 (MANE Select); coding-DNA position 1067, C replaced by T.
Protein change: p.Ala356Val; replaces alanine 356 with valine.
Molecular consequence: missense variant.
Genome position (GRCh38, 1-based): chr7:87,444,914, G>A on the plus strand (C>T on the coding strand, the complement: ABCB4 is on the minus strand). VCF-style: chr7-87444914-G-A. GRCh37 (hg19) VCF-style: chr7-87074230-G-A.
Other names: c.1067C>T, p.Ala356Val (NM_018849.3, NM_018850.3); short protein forms A356V.
Identifiers: ClinVar variation 3376819 (VCV003376819.1).

ClinVar aggregate classification (germline): Uncertain significance (1 of 4 stars; one submission).

Conditions:
Progressive familial intrahepatic cholestasis type 3. Also called: Low Gamma-GT Familial Intrahepatic Cholestasis; MDR3 DEFICIENCY. Identifiers: Orphanet 79305, MedGen C1865643, MONDO:0011214, OMIM 602347.

gnomAD v4.1: 1 of 1,608,704 alleles (0.000062%); highest among the groups gnomAD compares: South Asian, 0.0011%; no homozygotes.

Submission:

Victorian Clinical Genetics Services, Murdoch Childrens Research Institute
Classification: Uncertain significance for Progressive familial intrahepatic cholestasis type 3. Last evaluated: 2024-09-20. Review status: criteria provided, single submitter. Criteria: ACMG Guidelines, 2015. Collection method: clinical testing. Allele origin: germline. Inheritance: Autosomal recessive inheritance. Affected: yes.
Comment: Based on the classification scheme VCGS_Germline_v1.3.4, this variant is classified as VUS-3A. Following criteria are met: 0102 - Loss of function is a known mechanism of disease in this gene and is associated with intrahepatic cholestasis of pregnancy 3 (ICP-3; MIM#614972), gallbladder disease 1 (low phospholipid-associated cholelithiasis LPAC; MIM# 600803) and progressive familial intrahepatic cholestasis 3 (PFIC; MIM#602347). (I) 0108 - This gene is associated with both recessive and dominant disease. PFIC is inherited in a recessive manner, whereas ICP-3 and LPAC can be either dominant or recessive. Biallelic variants typically demonstrate less residual protein activity, resulting in an earlier onset of the condition with a more severe phenotype (OMIM, PMID: 24806754, PMID: 32376413). (I) 0200 - Variant is predicted to result in a missense amino acid change from alanine to valine. (I) 0251 - This variant is heterozygous. (I) 0301 - Variant is absent from gnomAD (both v2 and v3). (SP) 0309 - An alternative amino acid change at the same position has been observed in gnomAD (v3: 1 heterozygote, 0 homozygotes, 0 hemizygotes). (I) 0502 - Missense variant with conflicting in silico predictions and uninformative conservation. (I) 0604 - Variant is not located in an established domain, motif, hotspot or informative constraint region. (I) 0705 - No comparable missense variants have previous evidence for pathogenicity. (I) 0807 - This variant has no previous evidence of pathogenicity. (I) 0905 - No published segregation evidence has been identified for this variant. (I) 1007 - No published functional evidence has been identified for this variant. (I) 1102 - Strong phenotype match for this individual. (SP) 1208 - Inheritance information for this variant is not currently available in this individual. (I) Legend: (SP) - Supporting pathogenic, (I) - Information, (SB) - Supporting benign

Literature cited by the submitters: PubMed 24806754; PubMed 32376413.